The following is an entry in ClinVar:

ClinVar aggregate classification (germline): Pathogenic/Likely pathogenic. Review status: criteria provided, multiple submitters, no conflicts (2 of 4 stars). 2 submissions from 2 submitters: Pathogenic (1); Likely pathogenic (1). Last evaluated 2022-07-06.

Conditions:
RP2-related disorder. Also called: RP2-related condition.

Submissions (2):

Labcorp Genetics (formerly Invitae), Labcorp
Classification: Pathogenic. Last evaluated: 2022-07-06. Review status: criteria provided, single submitter. Criteria: Invitae Variant Classification Sherloc (09022015). Collection method: clinical testing. Allele origin: germline.
Comment: This sequence change creates a premature translational stop signal (p.Ala209Serfs*10) in the RP2 gene. It is expected to result in an absent or disrupted protein product. Loss-of-function variants in RP2 are known to be pathogenic (PMID: 11992260, 20625056). This variant is not present in population databases (gnomAD no frequency). This variant has not been reported in the literature in individuals affected with RP2-related conditions. For these reasons, this variant has been classified as Pathogenic.

Blueprint Genetics
Classification: Likely pathogenic for RP2-related disorders. Last evaluated: 2021-10-22. Review status: criteria provided, single submitter. Criteria: ACMG Guidelines, 2015. Collection method: clinical testing. Allele origin: germline. Affected: yes. Observed: 1 variant allele.

Literature cited by the submitters: PubMed 11992260 (cited by Labcorp Genetics (formerly Invitae), Labcorp); PubMed 20625056 (cited by Labcorp Genetics (formerly Invitae), Labcorp).

NM_006915.3(RP2):c.624dup (p.Ala209fs)

Gene: RP2 (RP2 activator of ARL3 GTPase; plus strand). Cytogenetic location: Xp11.3.
Variant type: Duplication.
Coding change: c.624dup on transcript NM_006915.3 (MANE Select); coding-DNA position 624, one base duplicated (A; older notation c.624dupA).
Protein change: p.Ala209fs; shifts the reading frame from alanine 209.
Molecular consequence: frameshift variant.
Genome position (GRCh38, 1-based): chrX:46,853,997, A duplicated; the last of 3 consecutive A bases (chrX:46,853,995-46,853,997); duplicating any one gives the same sequence. VCF-style (leftmost placement, unchanged base first): chrX-46853994-C-CA. GRCh37 (hg19) VCF-style: chrX-46713429-C-CA.
Other names: short protein forms A209fs.
Identifiers: ClinVar variation 2011866 (VCV002011866.5), dbSNP rs2519914712, ClinGen allele CA2580101057.
Genomic context (GRCh38, chrX:46,853,994, plus strand): 5'-CCTTCTTCCAGAAGATGCTGTGGTTCAGGACTATGTTCCTATACCTACTACCGAAGAGCT[C>CA]AAAGCTGTTCGTGTTTCCACAGAAGCCAATAGAAGCATTGTTCCAATATCCCGGGGTCAG-3'